The following is an entry in ClinVar:

ClinVar aggregate classification (germline): Uncertain significance (1 of 4 stars; one submission).

Conditions:
GANAB-related disorder. Also called: GANAB-related condition.

Submission:

PreventionGenetics, part of Exact Sciences
Classification: Uncertain significance for GANAB-related condition. Last evaluated: 2025-08-22. Review status: criteria provided, single submitter. Criteria: ACMG Guidelines, 2015. Collection method: clinical testing. Allele origin: germline.
Comment: The GANAB c.1627T>A variant is predicted to result in the amino acid substitution p.Trp543Arg. To our knowledge, this variant has not been reported in the literature or in a large population database (gnomAD), indicating this variant is rare. The REVEL (rare exome variant ensemble learner) program predicts this variant is pathogenic at a "strong" level (Ioannidis et al. 2016. PubMed ID: 27666373; Bergquist et al. 2024. PubMed ID: 39345488). Although we suspect that this variant could be pathogenic, at this time, the clinical significance of this variant is uncertain due to the absence of conclusive functional and genetic evidence.

NM_198334.3(GANAB):c.1561T>A (p.Trp521Arg)

Gene: GANAB (glucosidase II alpha subunit; minus strand). Cytogenetic location: 11q12.3.
Variant type: single nucleotide variant.
Coding change: c.1561T>A on transcript NM_198334.3 (MANE Select); coding-DNA position 1561, T replaced by A.
Protein change: p.Trp521Arg; replaces tryptophan 521 with arginine.
Molecular consequence: missense variant.
Genome position (GRCh38, 1-based): chr11:62,630,229, A>T on the plus strand (T>A on the coding strand, the complement: GANAB is on the minus strand). VCF-style: chr11-62630229-A-T. GRCh37 (hg19) VCF-style: chr11-62397701-A-T.
Other names: c.1285T>A, p.Trp429Arg (NM_001278192.2); c.1219T>A, p.Trp407Arg (NM_001278193.2); c.1270T>A, p.Trp424Arg (NM_001278194.2, NM_001329222.2, NM_001329223.2); c.838T>A, p.Trp280Arg (NM_001329224.2, NM_001329225.2); c.1627T>A, p.Trp543Arg (NM_198335.4); short protein forms W424R, W429R, W521R, W280R, W407R, W543R.
Identifiers: ClinVar variation 5000264 (VCV005000264.1).